The following continues an entry in ClinVar:

NM_018249.6(CDK5RAP2):c.5578T>C (p.Leu1860=)

Gene: CDK5RAP2. ClinVar aggregate classification (germline): Benign/Likely benign. Benign (3); Likely benign (2).

Submissions 31 to 53 of 53:

Dr. Peter K. Rogan Lab, Western University
No classification provided (evidence only). Condition: Nonpapillary renal cell carcinoma. Review status: no classification provided. Collection method: in vitro. Allele origin: not applicable. Functional consequence: retained intron. Not counted in ClinVar's aggregate classification.

Dr. Peter K. Rogan Lab, Western University
No classification provided (evidence only). Condition: Thymoma. Review status: no classification provided. Collection method: in vitro. Allele origin: not applicable. Functional consequence: retained intron. Not counted in ClinVar's aggregate classification.

Dr. Peter K. Rogan Lab, Western University
No classification provided (evidence only). Condition: Thymoma. Review status: no classification provided. Collection method: in vitro. Allele origin: not applicable. Functional consequence: retained intron. Not counted in ClinVar's aggregate classification.

Dr. Peter K. Rogan Lab, Western University
No classification provided (evidence only). Condition: Ovarian serous cystadenocarcinoma. Review status: no classification provided. Collection method: in vitro. Allele origin: not applicable. Functional consequence: retained intron. Not counted in ClinVar's aggregate classification.

Dr. Peter K. Rogan Lab, Western University
No classification provided (evidence only). Condition: Adrenocortical carcinoma, hereditary. Review status: no classification provided. Collection method: in vitro. Allele origin: not applicable. Functional consequence: retained intron. Not counted in ClinVar's aggregate classification.

Dr. Peter K. Rogan Lab, Western University
No classification provided (evidence only). Condition: Malignant tumor of esophagus. Review status: no classification provided. Collection method: in vitro. Allele origin: not applicable. Functional consequence: retained intron. Not counted in ClinVar's aggregate classification.

Dr. Peter K. Rogan Lab, Western University
No classification provided (evidence only). Condition: Malignant tumor of esophagus. Review status: no classification provided. Collection method: in vitro. Allele origin: not applicable. Functional consequence: retained intron. Not counted in ClinVar's aggregate classification.

Dr. Peter K. Rogan Lab, Western University
No classification provided (evidence only). Condition: Malignant tumor of esophagus. Review status: no classification provided. Collection method: in vitro. Allele origin: not applicable. Functional consequence: retained intron. Not counted in ClinVar's aggregate classification.

Dr. Peter K. Rogan Lab, Western University
No classification provided (evidence only). Condition: Malignant tumor of esophagus. Review status: no classification provided. Collection method: in vitro. Allele origin: not applicable. Functional consequence: retained intron. Not counted in ClinVar's aggregate classification.

Dr. Peter K. Rogan Lab, Western University
No classification provided (evidence only). Condition: Malignant tumor of esophagus. Review status: no classification provided. Collection method: in vitro. Allele origin: not applicable. Functional consequence: retained intron. Not counted in ClinVar's aggregate classification.

Dr. Peter K. Rogan Lab, Western University
No classification provided (evidence only). Condition: Hepatocellular carcinoma. Review status: no classification provided. Collection method: in vitro. Allele origin: not applicable. Functional consequence: retained intron. Not counted in ClinVar's aggregate classification.

Dr. Peter K. Rogan Lab, Western University
No classification provided (evidence only). Condition: Hepatocellular carcinoma. Review status: no classification provided. Collection method: in vitro. Allele origin: not applicable. Functional consequence: retained intron. Not counted in ClinVar's aggregate classification.

Dr. Peter K. Rogan Lab, Western University
No classification provided (evidence only). Condition: Hepatocellular carcinoma. Review status: no classification provided. Collection method: in vitro. Allele origin: not applicable. Functional consequence: retained intron. Not counted in ClinVar's aggregate classification.

Dr. Peter K. Rogan Lab, Western University
No classification provided (evidence only). Condition: Hepatocellular carcinoma. Review status: no classification provided. Collection method: in vitro. Allele origin: not applicable. Functional consequence: retained intron. Not counted in ClinVar's aggregate classification.

Dr. Peter K. Rogan Lab, Western University
No classification provided (evidence only). Condition: Hepatocellular carcinoma. Review status: no classification provided. Collection method: in vitro. Allele origin: not applicable. Functional consequence: retained intron. Not counted in ClinVar's aggregate classification.

Dr. Peter K. Rogan Lab, Western University
No classification provided (evidence only). Condition: Hepatocellular carcinoma. Review status: no classification provided. Collection method: in vitro. Allele origin: not applicable. Functional consequence: retained intron. Not counted in ClinVar's aggregate classification.

Dr. Peter K. Rogan Lab, Western University
No classification provided (evidence only). Condition: Hepatocellular carcinoma. Review status: no classification provided. Collection method: in vitro. Allele origin: not applicable. Functional consequence: retained intron. Not counted in ClinVar's aggregate classification.

Dr. Peter K. Rogan Lab, Western University
No classification provided (evidence only). Condition: Hepatocellular carcinoma. Review status: no classification provided. Collection method: in vitro. Allele origin: not applicable. Functional consequence: retained intron. Not counted in ClinVar's aggregate classification.

Dr. Peter K. Rogan Lab, Western University
No classification provided (evidence only). Condition: Hepatocellular carcinoma. Review status: no classification provided. Collection method: in vitro. Allele origin: not applicable. Functional consequence: retained intron. Not counted in ClinVar's aggregate classification.

Dr. Peter K. Rogan Lab, Western University
No classification provided (evidence only). Condition: Hepatocellular carcinoma. Review status: no classification provided. Collection method: in vitro. Allele origin: not applicable. Functional consequence: retained intron. Not counted in ClinVar's aggregate classification.

Dr. Peter K. Rogan Lab, Western University
No classification provided (evidence only). Condition: Hepatocellular carcinoma. Review status: no classification provided. Collection method: in vitro. Allele origin: not applicable. Functional consequence: retained intron. Not counted in ClinVar's aggregate classification.

Dr. Peter K. Rogan Lab, Western University
No classification provided (evidence only). Condition: Hepatocellular carcinoma. Review status: no classification provided. Collection method: in vitro. Allele origin: not applicable. Functional consequence: retained intron. Not counted in ClinVar's aggregate classification.

Dr. Peter K. Rogan Lab, Western University
No classification provided (evidence only). Condition: Hepatocellular carcinoma. Review status: no classification provided. Collection method: in vitro. Allele origin: not applicable. Functional consequence: retained intron. Not counted in ClinVar's aggregate classification.